The following is an entry in ClinVar:

ClinVar aggregate classification (germline): Uncertain significance (1 of 4 stars; one submission).

Conditions:
Meckel-Gruber syndrome. Also called: Dysencephalia splachnocystica; DYSENCEPHALIA SPLANCHNOCYSTICA; GRUBER SYNDROME. Identifiers: Orphanet 564, MedGen C0265215, MONDO:0018921.
Joubert syndrome. Also called: Familial aplasia of the vermis; CEREBELLOPARENCHYMAL DISORDER IV; JOUBERT-BOLTSHAUSER SYNDROME. Identifiers: Orphanet 475, MedGen C5979921, MONDO:0018772.

Submission:

Labcorp Genetics (formerly Invitae), Labcorp
Classification: Uncertain significance for Joubert syndrome; Meckel-Gruber syndrome. Last evaluated: 2022-08-23. Review status: criteria provided, single submitter. Criteria: Invitae Variant Classification Sherloc (09022015). Collection method: clinical testing. Allele origin: germline.
Comment: ClinVar contains an entry for this variant (Variation ID: 939884). This variant has not been reported in the literature in individuals affected with TMEM67-related conditions. This variant is not present in population databases (gnomAD no frequency). This sequence change replaces serine, which is neutral and polar, with tyrosine, which is neutral and polar, at codon 926 of the TMEM67 protein (p.Ser926Tyr). Advanced modeling of protein sequence and biophysical properties (such as structural, functional, and spatial information, amino acid conservation, physicochemical variation, residue mobility, and thermodynamic stability) performed at Invitae indicates that this missense variant is expected to disrupt TMEM67 protein function. In summary, the available evidence is currently insufficient to determine the role of this variant in disease. Therefore, it has been classified as a Variant of Uncertain Significance.

NM_153704.6(TMEM67):c.2777C>A (p.Ser926Tyr)

Gene: TMEM67 (transmembrane protein 67; plus strand). Cytogenetic location: 8q22.1.
Variant type: single nucleotide variant.
Coding change: c.2777C>A on transcript NM_153704.6 (MANE Select); coding-DNA position 2777, C replaced by A.
Protein change: p.Ser926Tyr; replaces serine 926 with tyrosine.
Molecular consequence: missense variant. On other transcripts: non-coding transcript variant (1).
Genome position (GRCh38, 1-based): chr8:93,815,317, C>A. VCF-style: chr8-93815317-C-A. GRCh37 (hg19) VCF-style: chr8-94827545-C-A.
Other names: c.2534C>A, p.Ser845Tyr (NM_001142301.1); short protein forms S845Y, S926Y.
Identifiers: ClinVar variation 939884 (VCV000939884.10), dbSNP rs1808863667, ClinGen allele CA371700950.